The following is an entry in ClinVar:

ClinVar aggregate classification (germline): Conflicting classifications of pathogenicity. Review status: criteria provided, conflicting classifications (1 of 4 stars). 6 submissions from 6 submitters: Uncertain significance (4); Likely benign (2). Last evaluated 2025-11-13.

Conditions:
Inborn genetic diseases. Identifiers: MedGen C0950123, MeSH D030342.
PIEZO2-related disorder. Also called: PIEZO2-related condition; PIEZO2-related disorders.

Allele frequency attached by ClinVar (database versions not stated): gnomAD 0.00019; TOPMed 0.00019; gnomAD exomes 0.00022; ExAC 0.00023; 1000 Genomes Project 30x 0.00031; 1000 Genomes Project 0.00040; ESP Exome Variant Server 0.00066.
gnomAD v4.1: 654 of 1,537,242 alleles (0.043%); highest among the groups gnomAD compares: Non-Finnish European, 0.052%; no homozygotes.

Submissions (6):

PreventionGenetics, part of Exact Sciences
Classification: Uncertain significance for PIEZO2-related condition. Last evaluated: 2025-11-13. Review status: criteria provided, single submitter. Criteria: ACMG Guidelines, 2015. Collection method: clinical testing. Allele origin: germline.
Comment: The PIEZO2 c.5558G>A variant is predicted to result in the amino acid substitution p.Arg1853His. To our knowledge, this variant has not been reported in the literature. This variant is reported in 0.035% of alleles in individuals of European (Non-Finnish) descent in gnomAD. At this time, the clinical significance of this variant is uncertain due to the absence of conclusive functional and genetic evidence.

Women's Health and Genetics/Laboratory Corporation of America, LabCorp
Classification: Uncertain significance. Last evaluated: 2025-03-21. Review status: criteria provided, single submitter. Criteria: LabCorp Variant Classification Summary - May 2015. Collection method: clinical testing. Allele origin: germline.
Comment: Variant summary: PIEZO2 c.5558G>A (p.Arg1853His) results in a non-conservative amino acid change in the encoded protein sequence. Three of four in-silico tools predict a benign effect of the variant on protein function. The variant allele was found at a frequency of 0.00022 in 141812 control chromosomes (gnomAD). This frequency is not significantly higher than estimated for a pathogenic variant in PIEZO2 causing Arthrogryposis, distal, with impaired proprioception and touch, allowing no conclusion about variant significance. To our knowledge, no occurrence of c.5558G>A in individuals affected with Arthrogryposis, distal, with impaired proprioception and touch and no experimental evidence demonstrating its impact on protein function have been reported. ClinVar contains an entry for this variant (Variation ID: 493229). Based on the evidence outlined above, the variant was classified as uncertain significance.

Labcorp Genetics (formerly Invitae), Labcorp
Classification: Likely benign. Last evaluated: 2025-02-09. Review status: criteria provided, single submitter. Criteria: Invitae Variant Classification Sherloc (09022015). Collection method: clinical testing. Allele origin: germline.

Ambry Genetics
Classification: Likely benign for Inborn genetic diseases. Last evaluated: 2022-11-17. Review status: criteria provided, single submitter. Criteria: Ambry Variant Classification Scheme 2023. Collection method: clinical testing. Allele origin: germline.

GeneDx
Classification: Uncertain significance. Last evaluated: 2021-01-07. Review status: criteria provided, single submitter. Criteria: GeneDx Variant Classification Process June 2021. Collection method: clinical testing. Allele origin: germline. Affected: yes.
Comment: In silico analysis supports that this missense variant does not alter protein structure/function; Has not been previously published as pathogenic or benign to our knowledge

CeGaT Center for Human Genetics Tuebingen
Classification: Uncertain significance. Last evaluated: 2017-07-01. Review status: criteria provided, single submitter. Criteria: CeGaT Center For Human Genetics Tuebingen Variant Classification Criteria Version 2. Collection method: clinical testing. Allele origin: germline. Affected: yes. Observed: 1 variant allele.

NM_001378183.1(PIEZO2):c.5897G>A (p.Arg1966His)

Gene: PIEZO2 (piezo type mechanosensitive ion channel component 2; minus strand). Cytogenetic location: 18p11.22.
Variant type: single nucleotide variant.
Coding change: c.5897G>A on transcript NM_001378183.1 (MANE Select); coding-DNA position 5897, G replaced by A.
Protein change: p.Arg1966His; replaces arginine 1966 with histidine.
Molecular consequence: missense variant.
Genome position (GRCh38, 1-based): chr18:10,705,438, C>T on the plus strand (G>A on the coding strand, the complement: PIEZO2 is on the minus strand). VCF-style: chr18-10705438-C-T. GRCh37 (hg19) VCF-style: chr18-10705436-C-T.
Other names: c.5558G>A (NM_022068.3); c.5558G>A, p.Arg1853His (NM_022068.4); short protein forms R1853H, R1966H.
Identifiers: ClinVar variation 493229 (VCV000493229.53), dbSNP rs373973800, ClinGen allele CA8892299.